The following is an entry in ClinVar:

NM_015330.6(SPECC1L):c.3263T>C (p.Leu1088Pro)

Genes: SPECC1L (sperm antigen with calponin homology and coiled-coil domains 1 like; plus strand), SPECC1L-ADORA2A (SPECC1L-ADORA2A readthrough (NMD candidate); plus strand). Cytogenetic location: 22q11.23.
Variant type: single nucleotide variant.
Coding change: c.3263T>C on transcript NM_015330.6 (MANE Select); coding-DNA position 3263, T replaced by C.
Protein change: p.Leu1088Pro; replaces leucine 1088 with proline.
Molecular consequence: missense variant. On other transcripts: non-coding transcript variant (1).
Genome position (GRCh38, 1-based): chr22:24,412,706, T>C. VCF-style: chr22-24412706-T-C. GRCh37 (hg19) VCF-style: chr22-24808674-T-C.
Other names: c.3263T>C, p.Leu1088Pro (NM_001145468.4); c.3146T>C, p.Leu1049Pro (NM_001254732.3); c.461T>C, p.Leu154Pro (NM_001254733.2); short protein forms L1049P, L1088P, L154P.
Identifiers: ClinVar variation 3640644 (VCV003640644.2).

ClinVar aggregate classification (germline): Uncertain significance (1 of 4 stars; one submission).

Submission:

Labcorp Genetics (formerly Invitae), Labcorp
Classification: Uncertain significance. Last evaluated: 2024-04-02. Review status: criteria provided, single submitter. Criteria: Invitae Variant Classification Sherloc (09022015). Collection method: clinical testing. Allele origin: germline.
Comment: This sequence change replaces leucine, which is neutral and non-polar, with proline, which is neutral and non-polar, at codon 1088 of the SPECC1L protein (p.Leu1088Pro). This variant is not present in population databases (gnomAD no frequency). This variant has not been reported in the literature in individuals affected with SPECC1L-related conditions. An algorithm developed to predict the effect of missense changes on protein structure and function (PolyPhen-2) suggests that this variant is likely to be disruptive. In summary, the available evidence is currently insufficient to determine the role of this variant in disease. Therefore, it has been classified as a Variant of Uncertain Significance.